The following is an entry in ClinVar:

ClinVar aggregate classification (germline): Likely benign. Review status: criteria provided, multiple submitters, no conflicts (2 of 4 stars). 4 submissions from 4 submitters: Likely benign (3). 1 of the submissions does not count toward it. Last evaluated 2026-01-22.

Conditions:
ARX-related disorder. Also called: ARX-Related Disorders; ARX-related condition. Identifiers: MedGen CN378769.
Developmental and epileptic encephalopathy, 1 (DEE1). Also called: OHTAHARA SYNDROME, X-LINKED; X-linked infantile spasms; West's syndrome; Tonic spasms with clustering, arrest of psychomotor development and hypsarrhythmia on EEG; X-Linked Infantile Spasm Syndrome; Epileptic encephalopathy, early infantile, 1. Identifiers: MedGen C3463992, MONDO:0010632, OMIM 308350. Disease mechanism: loss of function.
Intellectual disability, X-linked, with or without seizures, ARX-related. Also called: Mental retardation, X-linked 52; MENTAL RETARDATION, X-LINKED 29; MENTAL RETARDATION, X-LINKED 32; MENTAL RETARDATION, X-LINKED 33; MENTAL RETARDATION, X-LINKED 38; MENTAL RETARDATION, X-LINKED 43. Identifiers: Orphanet 777, MedGen C0796244, MONDO:0010317, OMIM 300419.

Allele frequency attached by ClinVar (database versions not stated): ExAC below 0.00001; gnomAD exomes 0.00007 and 0.00016; TOPMed 0.00008; gnomAD 0.00011 and 0.00012.
gnomAD v4.1: 176 of 1,150,186 alleles (0.015%); highest among the groups gnomAD compares: Non-Finnish European, 0.019%; no homozygotes.

Submissions (4):

Labcorp Genetics (formerly Invitae), Labcorp
Classification: Likely benign for Developmental and epileptic encephalopathy, 1; Intellectual disability, X-linked, with or without seizures, ARX-related. Last evaluated: 2026-01-22. Review status: criteria provided, single submitter. Criteria: Invitae Variant Classification Sherloc (09022015). Collection method: clinical testing. Allele origin: germline.

Blueprint Genetics
Classification: Likely benign. Last evaluated: 2023-06-21. Review status: criteria provided, single submitter. Criteria: ACMG Guidelines, 2015. Collection method: clinical testing. Allele origin: germline.

GeneDx
Classification: Likely benign. Last evaluated: 2018-03-08. Review status: criteria provided, single submitter. Criteria: GeneDx Variant Classification (06012015). Collection method: clinical testing. Allele origin: germline. Affected: yes.
Comment: This variant is considered likely benign or benign based on one or more of the following criteria: it is a conservative change, it occurs at a poorly conserved position in the protein, it is predicted to be benign by multiple in silico algorithms, and/or has population frequency not consistent with disease.

PreventionGenetics, part of Exact Sciences
Classification: Likely benign for ARX-related condition. Last evaluated: 2019-06-05. Review status: no assertion criteria provided. Collection method: clinical testing. Allele origin: germline. Not counted in ClinVar's aggregate classification.
Comment: This variant is classified as likely benign based on ACMG/AMP sequence variant interpretation guidelines (Richards et al. 2015 PMID: 25741868, with internal and published modifications).

NM_139058.3(ARX):c.708T>C (p.Asp236=)

Gene: ARX (aristaless related homeobox; minus strand). Cytogenetic location: Xp21.3.
Variant type: single nucleotide variant.
Coding change: c.708T>C on transcript NM_139058.3 (MANE Select); coding-DNA position 708, T replaced by C.
Protein change: p.Asp236=; no amino-acid change (aspartic acid 236 retained).
Molecular consequence: synonymous variant.
Genome position (GRCh38, 1-based): chrX:25,013,287, A>G on the plus strand (T>C on the coding strand, the complement: ARX is on the minus strand). VCF-style: chrX-25013287-A-G. GRCh37 (hg19) VCF-style: chrX-25031404-A-G.
Identifiers: ClinVar variation 507718 (VCV000507718.15), dbSNP rs763458576, ClinGen allele CA10373886.